The following is an entry in ClinVar:

ClinVar aggregate classification (germline): Uncertain significance. Review status: criteria provided, multiple submitters, no conflicts (2 of 4 stars). 2 submissions from 2 submitters: Uncertain significance (2). Last evaluated 2025-11-24.

Allele frequency attached by ClinVar (database versions not stated): ExAC 0.00001; gnomAD exomes 0.00001.
gnomAD v4.1: 13 of 1,610,332 alleles (0.00081%); highest among the groups gnomAD compares: South Asian, 0.0011%; no homozygotes.

Submissions (2):

Labcorp Genetics (formerly Invitae), Labcorp
Classification: Uncertain significance. Last evaluated: 2025-11-24. Review status: criteria provided, single submitter. Criteria: Invitae Variant Classification Sherloc (09022015). Collection method: clinical testing. Allele origin: germline.
Comment: This sequence change replaces arginine, which is basic and polar, with cysteine, which is neutral and slightly polar, at codon 167 of the RASGRP1 protein (p.Arg167Cys). The frequency data for this variant in the population databases is considered unreliable, as metrics indicate poor data quality at this position in the gnomAD database. This variant has not been reported in the literature in individuals affected with RASGRP1-related conditions. ClinVar contains an entry for this variant (Variation ID: 1449934). Invitae Evidence Modeling of protein sequence and biophysical properties (such as structural, functional, and spatial information, amino acid conservation, physicochemical variation, residue mobility, and thermodynamic stability) indicates that this missense variant is not expected to disrupt RASGRP1 protein function with a negative predictive value of 80%. In summary, the available evidence is currently insufficient to determine the role of this variant in disease. Therefore, it has been classified as a Variant of Uncertain Significance.

Ambry Genetics
Classification: Uncertain significance. Last evaluated: 2024-08-14. Review status: criteria provided, single submitter. Criteria: Ambry Variant Classification Scheme 2023. Collection method: clinical testing. Allele origin: germline.

NM_005739.4(RASGRP1):c.499C>T (p.Arg167Cys)

Gene: RASGRP1 (RAS guanyl releasing protein 1; minus strand). Cytogenetic location: 15q14.
Variant type: single nucleotide variant.
Coding change: c.499C>T on transcript NM_005739.4 (MANE Select); coding-DNA position 499, C replaced by T.
Protein change: p.Arg167Cys; replaces arginine 167 with cysteine.
Molecular consequence: missense variant.
Genome position (GRCh38, 1-based): chr15:38,518,314, G>A on the plus strand (C>T on the coding strand, the complement: RASGRP1 is on the minus strand). VCF-style: chr15-38518314-G-A. GRCh37 (hg19) VCF-style: chr15-38810515-G-A.
Other names: c.499C>T, p.Arg167Cys (NM_001128602.2, NM_001306086.2); c.499C>T (NM_005739.3); short protein forms R167C.
Identifiers: ClinVar variation 1449934 (VCV001449934.9), dbSNP rs749420646, ClinGen allele CA7471101.